The following is an entry in ClinVar:

ClinVar aggregate classification (germline): Uncertain significance (1 of 4 stars; one submission).

Submission:

Women's Health and Genetics/Laboratory Corporation of America, LabCorp
Classification: Uncertain significance. Last evaluated: 2023-08-25. Review status: criteria provided, single submitter. Criteria: LabCorp Variant Classification Summary - May 2015. Collection method: clinical testing. Allele origin: germline.
Comment: Variant summary: SDHB c.541-8_541-7delinsAG alters two nucleotides located close to a canonical splice site and therefore could affect mRNA splicing, leading to a significantly altered protein sequence. Several computational tools predict a significant impact on normal splicing: four predict the variant creates a 3' acceptor site (6 nucleotides upstream of the original site), while weakening the canonical 3' acceptor site. However, these predictions have yet to be confirmed by functional studies. The variant was absent in 248600 control chromosomes (gnomAD). The available data on variant occurrences in the general population are insufficient to allow any conclusion about variant significance. To our knowledge, no occurrence of c.541-8_541-7delinsAG in individuals affected with Pheochromocytoma and no experimental evidence demonstrating its impact on protein function have been reported. No submitters have cited clinical-significance assessments for this variant to ClinVar after 2014. Based on the evidence outlined above, the variant was classified as uncertain significance.

NM_003000.3(SDHB):c.541-8_541-7delinsAG

Gene: SDHB (succinate dehydrogenase complex iron sulfur subunit B; minus strand). Cytogenetic location: 1p36.13.
Variant type: Indel.
Coding change: c.541-8_541-7delinsAG on transcript NM_003000.3 (MANE Select); 8 bases into the intron before coding-DNA position 541 through 7 bases into the intron before coding-DNA position 541, CC replaced by AG.
Molecular consequence: intron variant.
Genome position (GRCh38, 1-based): chr1:17,024,081-17,024,082, GG replaced by CT on the plus strand (CC replaced by AG on the coding strand, the reverse complement: SDHB is on the minus strand). VCF-style: chr1-17024081-GG-CT. GRCh37 (hg19) VCF-style: chr1-17350576-GG-CT.
Other names: c.487-8_487-7delinsAG (NM_001407361.1).
Identifiers: ClinVar variation 2581375 (VCV002581375.1), dbSNP rs2525009117, ClinGen allele CA2582341893.